The following is an entry in ClinVar:

NC_000001.10:g.(?_94458738)_(94505703_?)del

Gene: ABCA4 (ATP binding cassette subfamily A member 4; minus strand). Cytogenetic location: 1p22.1.
Variant type: Deletion.
Identifiers: ClinVar variation 3247888 (VCV003247888.1).

ClinVar aggregate classification (germline): Pathogenic (1 of 4 stars; one submission).

Submission:

Labcorp Genetics (formerly Invitae), Labcorp
Classification: Pathogenic. Last evaluated: 2023-09-03. Review status: criteria provided, single submitter. Criteria: Invitae Variant Classification Sherloc (09022015). Collection method: clinical testing. Allele origin: unknown.
Comment: This variant is a gross deletion of the genomic region encompassing exon(s) 24-50 of the ABCA4 gene, which includes the termination codon. This deletion extends beyond the assayed region for this gene and therefore may encompass additional genes. While this deletion is not anticipated to lead to nonsense mediated decay, it is expected to alter mRNA translation or result in a truncated protein product. A similar copy number variant has been observed in individual(s) with Stargardt disease (PMID: 28041643). This variant is also known as Deletion 1:94402743-94505682. This variant disrupts a region of the ABCA4 protein in which other variant(s) (p.Leu2241Pro, p.Leu2241Val, pThr2240Ala) have been determined to be pathogenic (PMID: 21911583, 23755871, 29925512, 30563929, 32619608, 33261146; Invitae). This suggests that this is a clinically significant region of the protein, and that variants that disrupt it are likely to be disease-causing. For these reasons, this variant has been classified as Pathogenic.

Literature cited by the submitters: PubMed 28041643; PubMed 21911583; PubMed 23755871; PubMed 29925512; PubMed 30563929; PubMed 32619608; PubMed 33261146.